The following is an entry in ClinVar:

ClinVar aggregate classification (germline): Likely benign (1 of 4 stars; one submission).

Allele frequency attached by ClinVar (database versions not stated): gnomAD exomes below 0.00001; ExAC 0.00001; TOPMed 0.00001.
gnomAD v4.1: 1 of 1,613,234 alleles (0.000062%); highest among the groups gnomAD compares: African/African-American, 0.0013%; no homozygotes.

Submission:

GeneDx
Classification: Likely benign. Last evaluated: 2012-08-25. Review status: criteria provided, single submitter. Criteria: GeneDx Variant Classification (06012015). Collection method: clinical testing. Allele origin: germline. Affected: yes.
Comment: This variant is considered likely benign or benign based on one or more of the following criteria: it is a conservative change, it occurs at a poorly conserved position in the protein, it is predicted to be benign by multiple in silico algorithms, and/or has population frequency not consistent with disease.

NM_002495.4(NDUFS4):c.389C>G (p.Thr130Ser)

Gene: NDUFS4 (NADH:ubiquinone oxidoreductase subunit S4; plus strand). Cytogenetic location: 5q11.2.
Variant type: single nucleotide variant.
Coding change: c.389C>G on transcript NM_002495.4 (MANE Select); coding-DNA position 389, C replaced by G.
Protein change: p.Thr130Ser; replaces threonine 130 with serine.
Molecular consequence: missense variant. On other transcripts: non-coding transcript variant (3), intron variant (1).
Genome position (GRCh38, 1-based): chr5:53,658,589, C>G. VCF-style: chr5-53658589-C-G. GRCh37 (hg19) VCF-style: chr5-52954419-C-G.
Other names: c.350+12184C>G (NM_001318051.2); short protein forms T130S.
Identifiers: ClinVar variation 214812 (VCV000214812.1), dbSNP rs761800077, ClinGen allele CA323966.